The following is an entry in ClinVar:

ClinVar aggregate classification (germline): Uncertain significance. Review status: criteria provided, multiple submitters, no conflicts (2 of 4 stars). 2 submissions from 2 submitters: Uncertain significance (2). Last evaluated 2023-11-20.

Conditions:
Familial thoracic aortic aneurysm and aortic dissection (TAAD). Also called: Thoracic aortic aneurysms and dissections. Identifiers: Orphanet 91387, MedGen C4707243, MONDO:0019625.

Allele frequency attached by ClinVar (database versions not stated): gnomAD exomes below 0.00001; ExAC 0.00002.
gnomAD v4.1: 2 of 1,613,746 alleles (0.00012%); highest among the groups gnomAD compares: Admixed American, 0.0017%; no homozygotes.

Submissions (2):

All of Us Research Program, National Institutes of Health
Classification: Uncertain significance for Familial thoracic aortic aneurysm and aortic dissection. Last evaluated: 2023-11-20. Review status: criteria provided, single submitter. Criteria: ACMG Guidelines, 2015. Collection method: clinical testing. Allele origin: germline. Inheritance: Autosomal dominant inheritance. Observed: 1 variant allele, 1 heterozygote.
Comment: This missense variant replaces arginine with lysine at codon 1891 of the MYH11 protein. Computational prediction suggests that this variant may have deleterious impact on protein structure and function (internally defined REVEL score threshold >= 0.7, PMID: 27666373). To our knowledge, functional studies have not been reported for this variant. This variant has not been reported in individuals affected with MYH11-related disorders in the literature. This variant has been identified in 3/251152 chromosomes in the general population by the Genome Aggregation Database (gnomAD). The available evidence is insufficient to determine the role of this variant in disease conclusively. Therefore, this variant is classified as a Variant of Uncertain Significance.

This study involves interpretation of variants in research participants for the purpose of population health screening. Participant phenotype was not available at the time of variant classification. Additional details can be found in publication PMID: 35346344, PMCID: PMC8962531

Color Diagnostics, LLC DBA Color Health
Classification: Uncertain significance for Familial thoracic aortic aneurysm and aortic dissection. Last evaluated: 2023-10-23. Review status: criteria provided, single submitter. Criteria: ACMG Guidelines, 2015. Collection method: clinical testing. Allele origin: germline.
Comment: This missense variant replaces arginine with lysine at codon 1891 of the MYH11 protein. Computational prediction suggests that this variant may have deleterious impact on protein structure and function. To our knowledge, functional studies have not been reported for this variant. This variant has not been reported in individuals affected with MYH11-related disorders in the literature. This variant has been identified in 3/251152 chromosomes in the general population by the Genome Aggregation Database (gnomAD). The available evidence is insufficient to determine the role of this variant in disease conclusively. Therefore, this variant is classified as a Variant of Uncertain Significance.

NM_002474.3(MYH11):c.5651G>A (p.Arg1884Lys)

Genes: NDE1 (nudE neurodevelopment protein 1; plus strand), MYH11 (myosin heavy chain 11; minus strand). Cytogenetic location: 16p13.11.
Variant type: single nucleotide variant.
Coding change: c.5651G>A on transcript NM_002474.3 (MANE Select); coding-DNA position 5651, G replaced by A.
Protein change: p.Arg1884Lys; replaces arginine 1884 with lysine.
Molecular consequence: missense variant. On other transcripts: intron variant (2).
Genome position (GRCh38, 1-based): chr16:15,715,044, C>T on the plus strand (G>A on the coding strand, the complement: MYH11 is on the minus strand). VCF-style: chr16-15715044-C-T. GRCh37 (hg19) VCF-style: chr16-15808901-C-T.
Other names: c.5672G>A, p.Arg1891Lys (NM_001040113.2, NM_001040114.2); c.5651G>A, p.Arg1884Lys (NM_022844.3); c.948-9147C>T (NM_001143979.2, NM_017668.3); short protein forms R1884K, R1891K.
Identifiers: ClinVar variation 3074525 (VCV003074525.2), dbSNP rs779249687, ClinGen allele CA7921175.